The following is an entry in ClinVar:

NM_001148.6(ANK2):c.4709C>T (p.Thr1570Ile)

Gene: ANK2 (ankyrin 2; plus strand). Cytogenetic location: 4q26.
Variant type: single nucleotide variant.
Coding change: c.4709C>T on transcript NM_001148.6 (MANE Select); coding-DNA position 4709, C replaced by T.
Protein change: p.Thr1570Ile; replaces threonine 1570 with isoleucine.
Molecular consequence: missense variant. On other transcripts: intron variant (68).
Genome position (GRCh38, 1-based): chr4:113,353,327, C>T. VCF-style: chr4-113353327-C-T. GRCh37 (hg19) VCF-style: chr4-114274483-C-T.
Other names: c.4709C>T (NM_001148.4); c.4475C>T, p.Thr1492Ile (NM_001386142.1); c.1109C>T, p.Thr370Ile (NM_001386166.1); c.4850C>T, p.Thr1617Ile (NM_001386174.1); c.4826C>T, p.Thr1609Ile (NM_001386175.1); c.4411+3078C>T (NM_001386186.2, NM_001386148.2); c.4213+3078C>T (NM_001354269.3); c.4291+3078C>T (NM_001386187.2); and 36 more; short protein forms T370I, T1570I, T1617I, T1492I, T1609I.
Identifiers: ClinVar variation 1509499 (VCV001509499.9), dbSNP rs2154016319, ClinGen allele CA357915403.

ClinVar aggregate classification (germline): Uncertain significance. Review status: criteria provided, multiple submitters, no conflicts (2 of 4 stars). 2 submissions from 2 submitters: Uncertain significance (2). Last evaluated 2024-06-08.

Conditions:
Long QT syndrome (LQTS). Identifiers: MedGen C0023976, MeSH D008133, MONDO:0002442. Disease mechanism: loss of function. Inheritance: Various modes of inheritance.

Submissions (2):

GeneDx
Classification: Uncertain significance. Last evaluated: 2024-06-08. Review status: criteria provided, single submitter. Criteria: GeneDx Variant Classification Process June 2021. Collection method: clinical testing. Allele origin: germline. Affected: yes.
Comment: Not observed at significant frequency in large population cohorts (gnomAD); In silico analysis indicates that this missense variant does not alter protein structure/function; Has not been previously published as pathogenic or benign to our knowledge

Labcorp Genetics (formerly Invitae), Labcorp
Classification: Uncertain significance for Long QT syndrome. Last evaluated: 2020-12-19. Review status: criteria provided, single submitter. Criteria: Invitae Variant Classification Sherloc (09022015). Collection method: clinical testing. Allele origin: germline.
Comment: This sequence change replaces threonine with isoleucine at codon 1570 of the ANK2 protein (p.Thr1570Ile). The threonine residue is moderately conserved and there is a moderate physicochemical difference between threonine and isoleucine. In summary, the available evidence is currently insufficient to determine the role of this variant in disease. Therefore, it has been classified as a Variant of Uncertain Significance. Algorithms developed to predict the effect of missense changes on protein structure and function are either unavailable or do not agree on the potential impact of this missense change (SIFT: "Deleterious"; PolyPhen-2: "Possibly Damaging"; Align-GVGD: "Class C0"). This variant has not been reported in the literature in individuals with ANK2-related conditions. This variant is not present in population databases (ExAC no frequency).